The following is an entry in ClinVar:

ClinVar aggregate classification (germline): Uncertain significance (1 of 4 stars; one submission).

Submission:

Labcorp Genetics (formerly Invitae), Labcorp
Classification: Uncertain significance. Last evaluated: 2024-05-23. Review status: criteria provided, single submitter. Criteria: Invitae Variant Classification Sherloc (09022015). Collection method: clinical testing. Allele origin: germline.
Comment: This variant, c.458_460del, results in the deletion of 1 amino acid(s) of the CDC6 protein (p.Glu153del), but otherwise preserves the integrity of the reading frame. This variant is not present in population databases (gnomAD no frequency). This variant has not been reported in the literature in individuals affected with CDC6-related conditions. Experimental studies and prediction algorithms are not available or were not evaluated, and the functional significance of this variant is currently unknown. In summary, the available evidence is currently insufficient to determine the role of this variant in disease. Therefore, it has been classified as a Variant of Uncertain Significance.

NM_001254.4(CDC6):c.455AAG[1] (p.Glu153del)

Gene: CDC6 (cell division cycle 6; plus strand). Cytogenetic location: 17q21.2.
Variant type: Microsatellite.
Coding change: c.455AAG[1] on transcript NM_001254.4 (MANE Select); one copy of the 3-base unit AAG starting at c.455; the reference has two copies in a row; one copy, 3 bases deleted.
Protein change: p.Glu153del; deletes glutamic acid 153.
Molecular consequence: inframe deletion.
Genome position (GRCh38, 1-based): chr17:40,291,337-40,291,339, AAG deleted; deleting any 3 consecutive bases within chr17:40,291,334-40,291,339 gives the same sequence; the position shown is the placement nearest the transcript's 3' end. VCF-style (leftmost placement, unchanged base first): chr17-40291333-CAAG-C. GRCh37 (hg19) VCF-style: chr17-38447585-CAAG-C.
Other names: short protein forms E153del.
Identifiers: ClinVar variation 3620095 (VCV003620095.2).